The following is an entry in ClinVar:

NM_000530.8(MPZ):c.253G>A (p.Gly85Arg)

Gene: MPZ (myelin protein zero; minus strand). Cytogenetic location: 1q23.3.
Variant type: single nucleotide variant.
Coding change: c.253G>A on transcript NM_000530.8 (MANE Select); coding-DNA position 253, G replaced by A.
Protein change: p.Gly85Arg; replaces glycine 85 with arginine.
Molecular consequence: missense variant.
Genome position (GRCh38, 1-based): chr1:161,306,903, C>T on the plus strand (G>A on the coding strand, the complement: MPZ is on the minus strand). VCF-style: chr1-161306903-C-T. GRCh37 (hg19) VCF-style: chr1-161276693-C-T.
Other names: c.253G>A, p.Gly85Arg (NM_001315491.2); short protein forms G85R.
Identifiers: ClinVar variation 1675391 (VCV001675391.33), dbSNP rs2102259270, ClinGen allele CA343349940.
Genomic context (GRCh38, chr1:161,306,903, plus strand): 5'-GGTCCCCTACCCACTGGATGCGCTCTTTGAAGGTCCCCACCTCGTCAATGTAGGGTTGTC[C>T]CTTGGCATAGTGGAAGATCTATGAGGAATGAGGGGAAGCATGTGAGAGGACCCTAATGAG-3'
Protein context (NP_000521.2, residues 75-95): DAISIFHYAK[Gly85Arg]QPYIDEVGTF

ClinVar aggregate classification (germline): Likely pathogenic (1 of 4 stars; one submission).

Submission:

CeGaT Center for Human Genetics Tuebingen
Classification: Likely pathogenic. Last evaluated: 2022-03-01. Review status: criteria provided, single submitter. Criteria: CeGaT Center For Human Genetics Tuebingen Variant Classification Criteria Version 2. Collection method: clinical testing. Allele origin: germline. Affected: yes. Observed: 1 variant allele.
Comment: MPZ: PM2, PM5:Supporting, PP3, PP4, PS4:Supporting